The following is an entry in ClinVar:

NM_002941.4(ROBO1):c.2708T>C (p.Ile903Thr)

Gene: ROBO1 (roundabout guidance receptor 1; minus strand). Cytogenetic location: 3p12.3.
Variant type: single nucleotide variant.
Coding change: c.2708T>C on transcript NM_002941.4 (MANE Select); coding-DNA position 2708, T replaced by C.
Protein change: p.Ile903Thr; replaces isoleucine 903 with threonine.
Molecular consequence: missense variant.
Genome position (GRCh38, 1-based): chr3:78,651,836, A>G on the plus strand (T>C on the coding strand, the complement: ROBO1 is on the minus strand). VCF-style: chr3-78651836-A-G. GRCh37 (hg19) VCF-style: chr3-78700986-A-G.
Other names: c.2600T>C, p.Ile867Thr (NM_001145845.2, NM_133631.4); short protein forms I867T, I903T.
Identifiers: ClinVar variation 1321868 (VCV001321868.4), dbSNP rs746294354, ClinGen allele CA2498603.

ClinVar aggregate classification (germline): Uncertain significance. Review status: criteria provided, multiple submitters, no conflicts (2 of 4 stars). 2 submissions from 2 submitters: Uncertain significance (2). Last evaluated 2022-09-14.

Conditions:
Inborn genetic diseases. Identifiers: MedGen C0950123, MeSH D030342.
Congenital anomaly of kidney and urinary tract. Also called: Congenital anomalies of the kidney and urinary tract; Congenital anomalies of kidney and urinary tract. Identifiers: Orphanet 93545, MedGen C1968949, MeSH C566906, MONDO:0019719.

Allele frequency attached by ClinVar (database versions not stated): gnomAD exomes 0.00004 and 0.00005; gnomAD 0.00005; ExAC 0.00007; TOPMed 0.00007.
gnomAD v4.1: 60 of 1,613,742 alleles (0.0037%); highest among the groups gnomAD compares: South Asian, 0.026%; no homozygotes.

Submissions (2):

Ambry Genetics
Classification: Uncertain significance for Inborn genetic diseases. Last evaluated: 2022-09-14. Review status: criteria provided, single submitter. Criteria: Ambry Variant Classification Scheme 2023. Collection method: clinical testing. Allele origin: germline.

Institute of Human Genetics, University of Leipzig Medical Center
Classification: Uncertain significance for Congenital anomaly of kidney and urinary tract. Last evaluated: 2021-11-17. Review status: criteria provided, single submitter. Criteria: ACMG Guidelines, 2015. Collection method: clinical testing. Allele origin: biparental. Inheritance: Autosomal recessive inheritance. Affected: yes.
Comment: PM3_Moderate, PP3_Supporting